The following is an entry in ClinVar:

ClinVar aggregate classification (germline): Uncertain significance (1 of 4 stars; one submission).

Submission:

Labcorp Genetics (formerly Invitae), Labcorp
Classification: Uncertain significance. Last evaluated: 2023-10-17. Review status: criteria provided, single submitter. Criteria: Invitae Variant Classification Sherloc (09022015). Collection method: clinical testing. Allele origin: germline.
Comment: This sequence change replaces alanine, which is neutral and non-polar, with glutamic acid, which is acidic and polar, at codon 1349 of the POLE protein (p.Ala1349Glu). This variant is not present in population databases (gnomAD no frequency). This variant has not been reported in the literature in individuals affected with POLE-related conditions. Advanced modeling of protein sequence and biophysical properties (such as structural, functional, and spatial information, amino acid conservation, physicochemical variation, residue mobility, and thermodynamic stability) has been performed at Invitae for this missense variant, however the output from this modeling did not meet the statistical confidence thresholds required to predict the impact of this variant on POLE protein function. In summary, the available evidence is currently insufficient to determine the role of this variant in disease. Therefore, it has been classified as a Variant of Uncertain Significance.

NM_006231.4(POLE):c.4046C>A (p.Ala1349Glu)

Gene: POLE (DNA polymerase epsilon, catalytic subunit; minus strand). Cytogenetic location: 12q24.33.
Variant type: single nucleotide variant.
Coding change: c.4046C>A on transcript NM_006231.4 (MANE Select); coding-DNA position 4046, C replaced by A.
Protein change: p.Ala1349Glu; replaces alanine 1349 with glutamic acid.
Molecular consequence: missense variant.
Genome position (GRCh38, 1-based): chr12:132,649,032, G>T on the plus strand (C>A on the coding strand, the complement: POLE is on the minus strand). VCF-style: chr12-132649032-G-T. GRCh37 (hg19) VCF-style: chr12-133225618-G-T.
Other names: short protein forms A1349E.
Identifiers: ClinVar variation 2769353 (VCV002769353.3), dbSNP rs536988344, ClinGen allele CA387383908.
Genomic context (GRCh38, chr12:132,649,032, plus strand): 5'-TTCACGTAGAACACACGGGGGATGCTCAGCCTGATGCAGTGCAAGTCACTGCCAACGAGC[G>T]CCCACAGCCTGAACAGGCCGGCCTGGCTGGTCTCGCTGATCTGAAAGGCCACACGGACAT-3'
Protein context (NP_006222.2, residues 1339-1359): TSQAGLFRLW[Ala1349Glu]LVGSDLHCIR